The following is an entry in ClinVar:

ClinVar aggregate classification (germline): Pathogenic. Review status: criteria provided, multiple submitters, no conflicts (2 of 4 stars). 3 submissions from 3 submitters: Pathogenic (3). Last evaluated 2025-06-02.

Conditions:
Kleefstra syndrome 1 (KLEFS1). Identifiers: Orphanet 261494, MedGen C0795833, MONDO:0027407, OMIM 610253.

Submissions (3):

Institute of Immunology and Genetics Kaiserslautern
Classification: Pathogenic for Kleefstra syndrome 1. Last evaluated: 2025-06-02. Review status: criteria provided, single submitter. Criteria: ACMG Guidelines, 2015. Collection method: clinical testing. Allele origin: germline. Affected: yes.
Comment: ACMG Criteria: PVS1, PM2, PP5; Variant was found in heterozygous state.

Clinical Genetics Center, Xinhua Hospital affiliated to Shanghai Jiao Tong University School of Medicine
Classification: Pathogenic for Kleefstra syndrome 1. Last evaluated: 2024-11-01. Review status: criteria provided, single submitter. Criteria: ACMG Guidelines, 2015. Collection method: clinical testing. Allele origin: de novo. Affected: yes.
Comment: PVS1+PM6+PM2_Supporting

Labcorp Genetics (formerly Invitae), Labcorp
Classification: Pathogenic for Kleefstra syndrome 1. Last evaluated: 2022-10-22. Review status: criteria provided, single submitter. Criteria: Invitae Variant Classification Sherloc (09022015). Collection method: clinical testing. Allele origin: germline.
Comment: This variant has not been reported in the literature in individuals affected with EHMT1-related conditions. For these reasons, this variant has been classified as Pathogenic. This variant is not present in population databases (gnomAD no frequency). This sequence change creates a premature translational stop signal (p.Gln116*) in the EHMT1 gene. It is expected to result in an absent or disrupted protein product. Loss-of-function variants in EHMT1 are known to be pathogenic (PMID: 16826528, 19264732).

Literature cited by the submitters: PubMed 16826528 (cited by Labcorp Genetics (formerly Invitae), Labcorp); PubMed 19264732 (cited by Labcorp Genetics (formerly Invitae), Labcorp).

NM_024757.5(EHMT1):c.346C>T (p.Gln116Ter)

Gene: EHMT1 (euchromatic histone lysine methyltransferase 1; plus strand). Cytogenetic location: 9q34.3.
Variant type: single nucleotide variant.
Coding change: c.346C>T on transcript NM_024757.5 (MANE Select); coding-DNA position 346, C replaced by T.
Protein change: p.Gln116Ter; replaces glutamine 116 with a stop codon.
Molecular consequence: nonsense.
Genome position (GRCh38, 1-based): chr9:137,716,886, C>T. VCF-style: chr9-137716886-C-T. GRCh37 (hg19) VCF-style: chr9-140611338-C-T.
Other names: c.346C>T, p.Gln116Ter (NM_001145527.2, NM_001354263.2, NM_001354611.2); c.253C>T, p.Gln85Ter (NM_001354259.2, NM_001354612.2); short protein forms Q85*, Q116*.
Identifiers: ClinVar variation 2809354 (VCV002809354.5), dbSNP rs2541033378, ClinGen allele CA375764516.